The following is an entry in ClinVar:

NM_174936.4(PCSK9):c.2066A>T (p.Gln689Leu)

Gene: PCSK9 (proprotein convertase subtilisin/kexin type 9; plus strand). Cytogenetic location: 1p32.3.
Variant type: single nucleotide variant.
Coding change: c.2066A>T on transcript NM_174936.4 (MANE Select); coding-DNA position 2066, A replaced by T.
Protein change: p.Gln689Leu; replaces glutamine 689 with leucine.
Molecular consequence: missense variant.
Genome position (GRCh38, 1-based): chr1:55,063,571, A>T. VCF-style: chr1-55063571-A-T. GRCh37 (hg19) VCF-style: chr1-55529244-A-T.
Other names: c.2189A>T, p.Gln730Leu (NM_001407240.1); c.2108A>T, p.Gln703Leu (NM_001407241.1); c.2069A>T, p.Gln690Leu (NM_001407242.1); c.2009A>T, p.Gln670Leu (NM_001407243.1); c.1892A>T, p.Gln631Leu (NM_001407244.1); c.1874A>T, p.Gln625Leu (NM_001407245.1); c.1691A>T, p.Gln564Leu (NM_001407246.1); c.1565A>T, p.Gln522Leu (NM_001407247.1); short protein forms Q689L, Q522L, Q564L, Q670L, Q730L, Q625L, Q631L, Q690L.
Identifiers: ClinVar variation 1486316 (VCV001486316.7), dbSNP rs2100344811, ClinGen allele CA340480938.

ClinVar aggregate classification (germline): Uncertain significance (1 of 4 stars; one submission).

Conditions:
Hypercholesterolemia, autosomal dominant, 3 (FHCL3). Also called: Familial Hypercholesterolemia, Autosomal Dominant, 3; Familial hypercholesterolemia 3; PCSK9-Related Familial Hypercholesterolemia, Autosomal Dominant. Identifiers: MedGen C1863551, MONDO:0011369, OMIM 603776.

Submission:

Labcorp Genetics (formerly Invitae), Labcorp
Classification: Uncertain significance for Hypercholesterolemia, autosomal dominant, 3. Last evaluated: 2021-10-12. Review status: criteria provided, single submitter. Criteria: Invitae Variant Classification Sherloc (09022015). Collection method: clinical testing. Allele origin: germline.
Comment: This variant is not present in population databases (ExAC no frequency). This sequence change replaces glutamine with leucine at codon 689 of the PCSK9 protein (p.Gln689Leu). The glutamine residue is weakly conserved and there is a moderate physicochemical difference between glutamine and leucine. This variant has not been reported in the literature in individuals affected with PCSK9-related conditions. In summary, the available evidence is currently insufficient to determine the role of this variant in disease. Therefore, it has been classified as a Variant of Uncertain Significance. Advanced modeling of protein sequence and biophysical properties (such as structural, functional, and spatial information, amino acid conservation, physicochemical variation, residue mobility, and thermodynamic stability) performed at Invitae indicates that this missense variant is not expected to disrupt PCSK9 protein function.